The following is an entry in ClinVar:

NM_001100913.3(PACS2):c.624C>T (p.Ser208=)

Gene: PACS2 (phosphofurin acidic cluster sorting protein 2; plus strand). Cytogenetic location: 14q32.33.
Variant type: single nucleotide variant.
Coding change: c.624C>T on transcript NM_001100913.3 (MANE Select); coding-DNA position 624, C replaced by T.
Protein change: p.Ser208=; no amino-acid change (serine 208 retained).
Molecular consequence: synonymous variant.
Genome position (GRCh38, 1-based): chr14:105,368,111, C>T. VCF-style: chr14-105368111-C-T. GRCh37 (hg19) VCF-style: chr14-105834448-C-T.
Other names: c.423C>T, p.Ser141= (NM_001243127.3); c.624C>T, p.Ser208= (NM_015197.4); c.624C>T (NM_001100913.2).
Identifiers: ClinVar variation 2420824 (VCV002420824.9), dbSNP rs782150239, ClinGen allele CA7388454.

ClinVar aggregate classification (germline): Likely benign. Review status: criteria provided, single submitter (1 of 4 stars). 2 submissions from 2 submitters: Likely benign (1). 1 of the submissions does not count toward it. Last evaluated 2025-09-08.

Conditions:
PACS2-related disorder. Also called: PACS2-related condition.

Allele frequency attached by ClinVar (database versions not stated): ExAC 0.00001; TOPMed 0.00001.
gnomAD v4.1: 8 of 1,611,412 alleles (0.0005%); highest among the groups gnomAD compares: Middle Eastern, 0.017%; no homozygotes.

Submissions (2):

Labcorp Genetics (formerly Invitae), Labcorp
Classification: Likely benign. Last evaluated: 2025-09-08. Review status: criteria provided, single submitter. Criteria: Invitae Variant Classification Sherloc (09022015). Collection method: clinical testing. Allele origin: germline.

PreventionGenetics, part of Exact Sciences
Classification: Likely benign for PACS2-related condition. Last evaluated: 2019-07-10. Review status: no assertion criteria provided. Collection method: clinical testing. Allele origin: germline. Not counted in ClinVar's aggregate classification.
Comment: This variant is classified as likely benign based on ACMG/AMP sequence variant interpretation guidelines (Richards et al. 2015 PMID: 25741868, with internal and published modifications).